The following is an entry in ClinVar:

NM_002769.5(PRSS1):c.418C>G (p.Leu140Val)

Genes: PRSS1 (serine protease 1; plus strand), TRB (T cell receptor beta locus; plus strand). Cytogenetic location: 7q34.
Variant type: single nucleotide variant.
Coding change: c.418C>G on transcript NM_002769.5 (MANE Select); coding-DNA position 418, C replaced by G.
Protein change: p.Leu140Val; replaces leucine 140 with valine.
Molecular consequence: missense variant. On other transcripts: non-coding transcript variant (5).
Genome position (GRCh38, 1-based): chr7:142,751,991, C>G. VCF-style: chr7-142751991-C-G. GRCh37 (hg19) VCF-style: chr7-142459842-C-G.
Other names: short protein forms L140V.
Identifiers: ClinVar variation 3310650 (VCV003310650.1).

ClinVar aggregate classification (germline): Uncertain significance (1 of 4 stars; one submission).

Conditions:
Hereditary pancreatitis (PCTT). Also called: PRSS1-Related Hereditary Pancreatitis; Hereditary chronic pancreatitis. Identifiers: Orphanet 676, MedGen C0238339, MONDO:0008185, OMIM 167800.

Submission:

Ambry Genetics
Classification: Uncertain significance for Hereditary pancreatitis. Last evaluated: 2024-05-04. Review status: criteria provided, single submitter. Criteria: Ambry Variant Classification Scheme 2023. Collection method: clinical testing. Allele origin: germline.
Comment: The p.L140V variant (also known as c.418C>G), located in coding exon 3 of the PRSS1 gene, results from a C to G substitution at nucleotide position 418. The leucine at codon 140 is replaced by valine, an amino acid with highly similar properties. This amino acid position is conserved. In addition, the in silico prediction for this alteration is inconclusive. Based on the available evidence, the clinical significance of this variant remains unclear.